The following is an entry in ClinVar:

ClinVar aggregate classification (germline): Pathogenic (1 of 4 stars; one submission).

Conditions:
Ataxia-telangiectasia syndrome (AT). Also called: Cerebello-oculocutaneous telangiectasia; Immunodeficiency with ataxia telangiectasia; Ataxia-telangiectasia, complementation group E; Ataxia-telangiectasia, complementation group D; AT, COMPLEMENTATION GROUP C; ATAXIA-TELANGIECTASIA, COMPLEMENTATION GROUP A. Identifiers: Orphanet 100, MedGen C0004135, MONDO:0008840, OMIM 208900.

Submission:

Labcorp Genetics (formerly Invitae), Labcorp
Classification: Pathogenic for Ataxia-telangiectasia syndrome. Last evaluated: 2018-03-24. Review status: criteria provided, single submitter. Criteria: Invitae Variant Classification Sherloc (09022015). Collection method: clinical testing. Allele origin: germline.
Comment: For these reasons, this variant has been classified as Pathogenic. Loss-of-function variants in ATM are known to be pathogenic (PMID: 23807571, 25614872). This variant has not been reported in the literature in individuals with ATM-related disease. This variant is not present in population databases (ExAC no frequency). This sequence change creates a premature translational stop signal (p.Gln2590*) in the ATM gene. It is expected to result in an absent or disrupted protein product.

Literature cited by the submitters: PubMed 23807571; PubMed 25614872.

NM_000051.4(ATM):c.7768C>T (p.Gln2590Ter)

Genes: ATM (ATM serine/threonine kinase; plus strand), C11orf65 (chromosome 11 open reading frame 65; minus strand). Cytogenetic location: 11q22.3.
Variant type: single nucleotide variant.
Coding change: c.7768C>T on transcript NM_000051.4 (MANE Select); coding-DNA position 7768, C replaced by T.
Protein change: p.Gln2590Ter; replaces glutamine 2590 with a stop codon.
Molecular consequence: nonsense. On other transcripts: intron variant (2).
Genome position (GRCh38, 1-based): chr11:108,332,017, C>T. VCF-style: chr11-108332017-C-T. GRCh37 (hg19) VCF-style: chr11-108202744-C-T.
Other names: c.7768C>T, p.Gln2590Ter (NM_001351834.2); c.641-22946G>A (NM_001330368.2); c.*38+3203G>A (NM_001351110.2); short protein forms Q2590*.
Identifiers: ClinVar variation 573843 (VCV000573843.7), dbSNP rs876659561, ClinGen allele CA382561181.